The following is an entry in ClinVar:

NM_006204.4(PDE6C):c.430G>T (p.Gly144Cys)

Gene: PDE6C (phosphodiesterase 6C; plus strand). Cytogenetic location: 10q23.33.
Variant type: single nucleotide variant.
Coding change: c.430G>T on transcript NM_006204.4 (MANE Select); coding-DNA position 430, G replaced by T.
Protein change: p.Gly144Cys; replaces glycine 144 with cysteine.
Molecular consequence: missense variant.
Genome position (GRCh38, 1-based): chr10:93,613,155, G>T. VCF-style: chr10-93613155-G-T. GRCh37 (hg19) VCF-style: chr10-95372912-G-T.
Other names: short protein forms G144C.
Identifiers: ClinVar variation 841157 (VCV000841157.9), dbSNP rs2058400784, ClinGen allele CA377622831.

ClinVar aggregate classification (germline): Uncertain significance (1 of 4 stars; one submission).

Submission:

Labcorp Genetics (formerly Invitae), Labcorp
Classification: Uncertain significance. Last evaluated: 2019-11-27. Review status: criteria provided, single submitter. Criteria: Invitae Variant Classification Sherloc (09022015). Collection method: clinical testing. Allele origin: germline.
Comment: This sequence change replaces glycine with cysteine at codon 144 of the PDE6C protein (p.Gly144Cys). The glycine residue is highly conserved and there is a large physicochemical difference between glycine and cysteine. In summary, the available evidence is currently insufficient to determine the role of this variant in disease. Therefore, it has been classified as a Variant of Uncertain Significance. Algorithms developed to predict the effect of missense changes on protein structure and function are either unavailable or do not agree on the potential impact of this missense change (SIFT: "Deleterious"; PolyPhen-2: "Probably Damaging"; Align-GVGD: "Class C0"). This variant has not been reported in the literature in individuals with PDE6C-related conditions. This variant is not present in population databases (ExAC no frequency).